The following is an entry in ClinVar:

ClinVar aggregate classification (germline): Likely benign (0 of 4 stars; one submission).

Conditions:
PLXNB1-related disorder. Also called: PLXNB1-related condition.

gnomAD v4.1: 19 of 1,613,686 alleles (0.0012%); highest among the groups gnomAD compares: African/African-American, 0.013%; no homozygotes.

Submission:

PreventionGenetics, part of Exact Sciences
Classification: Likely benign for PLXNB1-related condition. Last evaluated: 2024-08-16. Review status: no assertion criteria provided. Collection method: clinical testing. Allele origin: germline.
Comment: This variant is classified as likely benign based on ACMG/AMP sequence variant interpretation guidelines (Richards et al. 2015 PMID: 25741868, with internal and published modifications).

NM_001130082.3(PLXNB1):c.933G>A (p.Ala311=)

Gene: PLXNB1 (plexin B1; minus strand). Cytogenetic location: 3p21.31.
Variant type: single nucleotide variant.
Coding change: c.933G>A on transcript NM_001130082.3 (MANE Select); coding-DNA position 933, G replaced by A.
Protein change: p.Ala311=; no amino-acid change (alanine 311 retained).
Molecular consequence: synonymous variant.
Genome position (GRCh38, 1-based): chr3:48,423,679, C>T on the plus strand (G>A on the coding strand, the complement: PLXNB1 is on the minus strand). VCF-style: chr3-48423679-C-T. GRCh37 (hg19) VCF-style: chr3-48465088-C-T.
Other names: c.933G>A, p.Ala311= (NM_002673.6).
Identifiers: ClinVar variation 3353287 (VCV003353287.1).